The following is an entry in ClinVar:

NM_178857.6(RP1L1):c.2629C>T (p.His877Tyr)

Gene: RP1L1 (RP1 like 1). Cytogenetic location: 8p23.1.
Variant type: single nucleotide variant.
Coding change: c.2629C>T on transcript NM_178857.6 (MANE Select); coding-DNA position 2629, C replaced by T.
Protein change: p.His877Tyr; replaces histidine 877 with tyrosine.
Molecular consequence: missense variant.
Genome position (GRCh38, 1-based): chr8:10,611,469, G>A on the plus strand (C>T on the coding strand, the complement: RP1L1 is on the minus strand). VCF-style: chr8-10611469-G-A. GRCh37 (hg19) VCF-style: chr8-10468979-G-A.
Other names: short protein forms H877Y.
Identifiers: ClinVar variation 908551 (VCV000908551.8), dbSNP rs770403429, ClinGen allele CA4624764.

ClinVar aggregate classification (germline): Benign/Likely benign. Review status: criteria provided, multiple submitters, no conflicts (2 of 4 stars). 4 submissions from 4 submitters: Benign (1); Likely benign (2). 1 of the submissions does not count toward it. Last evaluated 2023-10-17.

Conditions:
RP1L1-related disorder. Also called: RP1L1-related condition.
Retinal dystrophy. Also called: Inherited retinal dystrophy. Identifiers: Orphanet 71862, MedGen C0854723, MeSH D058499, MONDO:0019118, HP:0000556.
Occult macular dystrophy (OCMD). Also called: OCCULT MACULAR DYSTROPHY, SUSCEPTIBILITY TO; OMD. Identifiers: Orphanet 247834, MedGen C3150833, MONDO:0013316, OMIM 613587, HP:0030636.

Allele frequency attached by ClinVar (database versions not stated): gnomAD 0.00006 and 0.00009; TOPMed 0.00011; gnomAD exomes 0.00024; ExAC 0.00037.
gnomAD v4.1: 142 of 1,569,280 alleles (0.009%); highest among the groups gnomAD compares: East Asian, 0.16%; 1 homozygote.

Submissions (4):

Blueprint Genetics
Classification: Benign. Last evaluated: 2023-10-17. Review status: criteria provided, single submitter. Criteria: ACMG Guidelines, 2015. Collection method: clinical testing. Allele origin: germline.

Dept Of Ophthalmology, Nagoya University
Classification: Likely benign for Retinal dystrophy. Last evaluated: 2023-10-01. Review status: criteria provided, single submitter. Criteria: Submitter's publication. Collection method: research. Allele origin: germline. Affected: yes.

Illumina Laboratory Services, Illumina
Classification: Likely benign for Occult macular dystrophy. Last evaluated: 2018-01-13. Review status: criteria provided, single submitter. Criteria: ICSL Variant Classification Criteria 13 December 2019. Collection method: clinical testing. Allele origin: germline.
Comment: This variant was observed in the ICSL laboratory as part of a predisposition screen in an ostensibly healthy population. It had not been previously curated by ICSL or reported in the Human Gene Mutation Database (HGMD: prior to June 1st, 2018), and was therefore a candidate for classification through an automated scoring system. Utilizing variant allele frequency, disease prevalence and penetrance estimates, and inheritance mode, an automated score was calculated to assess if this variant is too frequent to cause the disease. Based on the score and internal cut-off values, a variant classified as likely benign is not then subjected to further curation. The score for this variant resulted in a classification of likely benign for this disease.

PreventionGenetics, part of Exact Sciences
Classification: Likely benign for RP1L1-related condition. Last evaluated: 2019-07-02. Review status: no assertion criteria provided. Collection method: clinical testing. Allele origin: germline. Not counted in ClinVar's aggregate classification.
Comment: This variant is classified as likely benign based on ACMG/AMP sequence variant interpretation guidelines (Richards et al. 2015 PMID: 25741868, with internal and published modifications).